The following is an entry in ClinVar:

ClinVar aggregate classification (germline): Conflicting classifications of pathogenicity. Review status: criteria provided, conflicting classifications (1 of 4 stars). 2 submissions from 2 submitters: Uncertain significance (1); Likely benign (1). Last evaluated 2025-06-07.

Conditions:
Rafiq syndrome (RAFQS). Identifiers: Orphanet 88616, MedGen C3280127, MONDO:0013624, OMIM 614202.
Inborn genetic diseases. Identifiers: MedGen C0950123, MeSH D030342.

Allele frequency attached by ClinVar (database versions not stated): gnomAD 0.00002 and 0.00003; TOPMed 0.00005; gnomAD exomes 0.00006 and 0.00011; ExAC 0.00008.
gnomAD v4.1: 39 of 1,613,214 alleles (0.0024%); highest among the groups gnomAD compares: Admixed American, 0.063%; no homozygotes.

Submissions (2):

Labcorp Genetics (formerly Invitae), Labcorp
Classification: Uncertain significance for Rafiq syndrome. Last evaluated: 2025-06-07. Review status: criteria provided, single submitter. Criteria: Invitae Variant Classification Sherloc (09022015). Collection method: clinical testing. Allele origin: germline.
Comment: This sequence change replaces serine, which is neutral and polar, with isoleucine, which is neutral and non-polar, at codon 519 of the MAN1B1 protein (p.Ser519Ile). This variant is present in population databases (rs763074368, gnomAD 0.08%). This variant has not been reported in the literature in individuals affected with MAN1B1-related conditions. ClinVar contains an entry for this variant (Variation ID: 971969). An algorithm developed to predict the effect of missense changes on protein structure and function (PolyPhen-2) suggests that this variant is likely to be tolerated. In summary, the available evidence is currently insufficient to determine the role of this variant in disease. Therefore, it has been classified as a Variant of Uncertain Significance.

Ambry Genetics
Classification: Likely benign for Inborn genetic diseases. Last evaluated: 2021-11-09. Review status: criteria provided, single submitter. Criteria: Ambry Variant Classification Scheme 2023. Collection method: clinical testing. Allele origin: germline.

NM_016219.5(MAN1B1):c.1556G>T (p.Ser519Ile)

Gene: MAN1B1 (mannosidase alpha class 1B member 1; plus strand). Cytogenetic location: 9q34.3.
Variant type: single nucleotide variant.
Coding change: c.1556G>T on transcript NM_016219.5 (MANE Select); coding-DNA position 1556, G replaced by T.
Protein change: p.Ser519Ile; replaces serine 519 with isoleucine.
Molecular consequence: missense variant. On other transcripts: non-coding transcript variant (2).
Genome position (GRCh38, 1-based): chr9:137,106,799, G>T. VCF-style: chr9-137106799-G-T. GRCh37 (hg19) VCF-style: chr9-140001251-G-T.
Other names: short protein forms S519I.
Identifiers: ClinVar variation 971969 (VCV000971969.8), dbSNP rs763074368, ClinGen allele CA5359272.